The following is an entry in ClinVar:

ClinVar aggregate classification (germline): Conflicting classifications of pathogenicity. Review status: criteria provided, conflicting classifications (1 of 4 stars). 4 submissions from 4 submitters: Uncertain significance (3); Likely benign (1). Last evaluated 2026-04-28.

Conditions:
TTN-related disorder. Also called: TTN-related disorders; TTN-related condition; TTN-related disease.
Cardiovascular phenotype. Identifiers: MedGen CN230736.

Allele frequency attached by ClinVar (database versions not stated): ExAC 0.00003; gnomAD exomes 0.00003; gnomAD 0.00005; TOPMed 0.00005.
gnomAD v4.1: 49 of 1,607,404 alleles (0.003%); highest among the groups gnomAD compares: African/African-American, 0.021%; no homozygotes.

Submissions (4):

Women's Health and Genetics/Laboratory Corporation of America, LabCorp
Classification: Uncertain significance. Last evaluated: 2026-04-28. Review status: criteria provided, single submitter. Criteria: LabCorp Variant Classification Summary - May 2015. Collection method: clinical testing. Allele origin: germline.
Comment: Variant summary: TTN c.60001C>T (p.Arg20001Trp) results in a non-conservative amino acid change in the encoded protein sequence. Algorithms developed to predict the effect of missense changes on protein structure and function are either unavailable or do not agree on the potential impact of this missense change. The variant allele was found at a frequency of 3.3e-05 in 245650 control chromosomes. The available data on variant occurrences in the general population are insufficient to allow any conclusion about variant significance. To our knowledge, no occurrence of c.60001C>T in individuals affected with TTN-related conditions and no experimental evidence demonstrating its impact on protein function have been reported. ClinVar contains an entry for this variant (Variation ID: 1737374). Based on the evidence outlined above, the variant was classified as uncertain significance.

PreventionGenetics, part of Exact Sciences
Classification: Uncertain significance for TTN-related condition. Last evaluated: 2025-07-14. Review status: criteria provided, single submitter. Criteria: ACMG Guidelines, 2015. Collection method: clinical testing. Allele origin: germline.
Comment: The TTN c.67705C>T variant is predicted to result in the amino acid substitution p.Arg22569Trp. To our knowledge, this variant has not been reported in the literature. This variant is reported in 0.025% of alleles in individuals of African descent in gnomAD. At this time, the clinical significance of this variant is uncertain due to the absence of conclusive functional and genetic evidence.

Revvity Omics, Revvity
Classification: Uncertain significance. Last evaluated: 2023-10-10. Review status: criteria provided, single submitter. Criteria: ACMG Guidelines, 2015. Collection method: clinical testing. Allele origin: germline.

Ambry Genetics
Classification: Likely benign for Cardiovascular phenotype. Last evaluated: 2020-06-19. Review status: criteria provided, single submitter. Criteria: Ambry Variant Classification Scheme 2023. Collection method: clinical testing. Allele origin: germline.

NM_001267550.2(TTN):c.67705C>T (p.Arg22569Trp)

Genes: TTN (titin; minus strand), TTN-AS1 (TTN antisense RNA 1; plus strand), LOC126806423 (CDK7 strongly-dependent group 2 enhancer GRCh37_chr2:179443309-179444508; plus strand). Cytogenetic location: 2q31.2.
Variant type: single nucleotide variant.
Coding change: c.67705C>T on transcript NM_001267550.2 (MANE Select); coding-DNA position 67705, C replaced by T.
Protein change: p.Arg22569Trp; replaces arginine 22569 with tryptophan.
Molecular consequence: missense variant.
Genome position (GRCh38, 1-based): chr2:178,579,325, G>A on the plus strand (C>T on the coding strand, the complement: TTN is on the minus strand). VCF-style: chr2-178579325-G-A. GRCh37 (hg19) VCF-style: chr2-179444052-G-A.
Other names: c.62782C>T, p.Arg20928Trp (NM_001256850.1); c.40510C>T, p.Arg13504Trp (NM_003319.4); c.60001C>T, p.Arg20001Trp (NM_133378.4); c.40885C>T, p.Arg13629Trp (NM_133432.3); c.41086C>T, p.Arg13696Trp (NM_133437.4); short protein forms R20001W, R13629W, R13696W, R13504W, R20928W, R22569W.
Identifiers: ClinVar variation 1737374 (VCV001737374.5), dbSNP rs746313264, ClinGen allele CA1991248.